The following is an entry in ClinVar:

ClinVar aggregate classification (germline): Uncertain significance (1 of 4 stars; one submission).

Conditions:
Inborn genetic diseases. Identifiers: MedGen C0950123, MeSH D030342.

Submission:

Ambry Genetics
Classification: Uncertain significance for Inborn genetic diseases. Last evaluated: 2025-06-13. Review status: criteria provided, single submitter. Criteria: Ambry Variant Classification Scheme 2023. Collection method: clinical testing. Allele origin: germline.
Comment: The c.2510G>A (p.S837N) alteration is located in exon 15 (coding exon 15) of the ATP2B1 gene. This alteration results from a G to A substitution at nucleotide position 2510, causing the serine (S) at amino acid position 837 to be replaced by an asparagine (N). This variant was not reported in population-based cohorts in the Genome Aggregation Database (gnomAD). This amino acid position is highly conserved in available vertebrate species. This missense alteration is located in a region that has a low rate of benign missense variation (Lek, 2016; Firth, 2009). This alteration is predicted to be deleterious by in silico analysis. Based on insufficient or conflicting evidence, the clinical significance of this alteration remains unclear.

NM_001366521.1(ATP2B1):c.2510G>A (p.Ser837Asn)

Gene: ATP2B1 (ATPase plasma membrane Ca2+ transporting 1; minus strand). Cytogenetic location: 12q21.33.
Variant type: single nucleotide variant.
Coding change: c.2510G>A on transcript NM_001366521.1 (MANE Select); coding-DNA position 2510, G replaced by A.
Protein change: p.Ser837Asn; replaces serine 837 with asparagine.
Molecular consequence: missense variant. On other transcripts: non-coding transcript variant (3).
Genome position (GRCh38, 1-based): chr12:89,604,279, C>T on the plus strand (G>A on the coding strand, the complement: ATP2B1 is on the minus strand). VCF-style: chr12-89604279-C-T. GRCh37 (hg19) VCF-style: chr12-89998056-C-T.
Other names: c.2510G>A, p.Ser837Asn (NM_001001323.2, NM_001366520.1, NM_001366522.1 and 12 more transcripts); c.2312G>A, p.Ser771Asn (NM_001366530.1, NM_001413053.1); c.1949G>A, p.Ser650Asn (NM_001366531.1, NM_001366532.1, NM_001413058.1 and 2 more transcripts); c.2471G>A, p.Ser824Asn (NM_001413048.1); c.2369G>A, p.Ser790Asn (NM_001413051.1, NM_001413052.1, NM_001413055.1); c.2267G>A, p.Ser756Asn (NM_001413054.1); c.2255G>A, p.Ser752Asn (NM_001413056.1); c.2057G>A, p.Ser686Asn (NM_001413057.1); short protein forms S790N, S824N, S837N, S752N, S771N, S650N, S686N, S756N.
Identifiers: ClinVar variation 3971550 (VCV003971550.1).